The following is an entry in ClinVar:

NM_002743.3(PRKCSH):c.263C>T (p.Pro88Leu)

Gene: PRKCSH (PRKCSH beta subunit of glucosidase II; plus strand). Cytogenetic location: 19p13.2.
Variant type: single nucleotide variant.
Coding change: c.263C>T on transcript NM_002743.3; coding-DNA position 263, C replaced by T.
Protein change: p.Pro88Leu; replaces proline 88 with leucine.
Genome position (GRCh38, 1-based): chr19:11,437,942, C>T. VCF-style: chr19-11437942-C-T. GRCh37 (hg19) VCF-style: chr19-11548763-C-T.
Other names: c.263C>T, p.Pro88Leu (NM_001001329.3, NM_001289102.2, NM_001289103.2 and 3 more transcripts); short protein forms P88L.
Identifiers: ClinVar variation 1691810 (VCV001691810.2), dbSNP rs2144807966, ClinGen allele CA404132087.

ClinVar aggregate classification (germline): Uncertain significance (1 of 4 stars; one submission).

Submission:

GeneDx
Classification: Uncertain significance. Last evaluated: 2021-12-20. Review status: criteria provided, single submitter. Criteria: GeneDx Variant Classification Process June 2021. Collection method: clinical testing. Allele origin: germline. Affected: yes.
Comment: Not observed at significant frequency in large population cohorts (gnomAD); In silico analysis supports that this missense variant has a deleterious effect on protein structure/function; Has not been previously published as pathogenic or benign to our knowledge